The following is an entry in ClinVar:

NM_003076.5(SMARCD1):c.202C>T (p.Arg68Ter)

Gene: SMARCD1 (SWI/SNF related BAF chromatin remodeling complex subunit D1; plus strand). Cytogenetic location: 12q13.12.
Variant type: single nucleotide variant.
Coding change: c.202C>T on transcript NM_003076.5 (MANE Select); coding-DNA position 202, C replaced by T.
Protein change: p.Arg68Ter; replaces arginine 68 with a stop codon.
Molecular consequence: nonsense.
Genome position (GRCh38, 1-based): chr12:50,086,185, C>T. VCF-style: chr12-50086185-C-T. GRCh37 (hg19) VCF-style: chr12-50479968-C-T.
Other names: c.202C>T, p.Arg68Ter (NM_139071.3); short protein forms R68*.
Identifiers: ClinVar variation 4055789 (VCV004055789.1).

ClinVar aggregate classification (germline): Uncertain significance (1 of 4 stars; one submission).

Submission:

GeneDx
Classification: Uncertain significance. Last evaluated: 2024-12-29. Review status: criteria provided, single submitter. Criteria: GeneDx Variant Classification Process June 2021. Collection method: clinical testing. Allele origin: germline. Affected: yes.
Comment: Not observed at significant frequency in large population cohorts (gnomAD); Nonsense variant predicted to result in protein truncation or nonsense mediated decay in a gene or region of a gene for which loss of function is not a well-established mechanism of disease; Has not been previously published as pathogenic or benign to our knowledge